The following is an entry in ClinVar:

ClinVar aggregate classification (germline): Pathogenic (1 of 4 stars; one submission).

Submission:

Labcorp Genetics (formerly Invitae), Labcorp
Classification: Pathogenic. Last evaluated: 2024-04-14. Review status: criteria provided, single submitter. Criteria: Invitae Variant Classification Sherloc (09022015). Collection method: clinical testing. Allele origin: germline.
Comment: This sequence change creates a premature translational stop signal (p.Phe3389Glufs*36) in the ADGRV1 gene. It is expected to result in an absent or disrupted protein product. Loss-of-function variants in ADGRV1 are known to be pathogenic (PMID: 19357117, 22135276, 22147658, 26226137, 30718709, 31047384, 32467589). This variant is not present in population databases (gnomAD no frequency). This variant has not been reported in the literature in individuals affected with ADGRV1-related conditions. Algorithms developed to predict the effect of sequence changes on RNA splicing suggest that this variant may disrupt the consensus splice site. For these reasons, this variant has been classified as Pathogenic.

Literature cited by the submitters: PubMed 19357117; PubMed 22135276; PubMed 22147658; PubMed 26226137; PubMed 30718709; PubMed 31047384; PubMed 32467589.

NC_000005.10:g.90728663CTTCAGGT[1]

Gene: ADGRV1 (adhesion G protein-coupled receptor V1; plus strand). Cytogenetic location: 5q14.3.
Variant type: Microsatellite.
Genome position: GRCh38 VCF-style: chr5-90728662-CCTTCAGGT-C. GRCh37 (hg19) VCF-style: chr5-90024479-CCTTCAGGT-C.
Identifiers: ClinVar variation 3649837 (VCV003649837.2).